The following is an entry in ClinVar:

ClinVar aggregate classification (germline): Uncertain significance (1 of 4 stars; one submission).

Conditions:
Hereditary cancer-predisposing syndrome. Also called: Neoplastic Syndromes, Hereditary; Tumor predisposition; Hereditary Cancer Syndrome; Hereditary neoplastic syndrome. Identifiers: Orphanet 140162, MedGen C0027672, MeSH D009386, MONDO:0015356.

Submission:

Ambry Genetics
Classification: Uncertain significance for Hereditary cancer-predisposing syndrome. Last evaluated: 2026-03-26. Review status: criteria provided, single submitter. Criteria: Ambry Variant Classification Scheme 2023. Collection method: clinical testing. Allele origin: germline.
Comment: The c.-3G>A variant is located in the 5' untranslated region (5&rsquo; UTR) of the SDHD gene. This variant results from a G to A substitution 3 bases upstream from the first translated codon. This nucleotide position is well conserved in available vertebrate species. Based on the available evidence, the clinical significance of this variant remains unclear.

NM_003002.4(SDHD):c.-3G>A

Genes: SDHD (succinate dehydrogenase complex subunit D; plus strand), LOC126861339 (BRD4-independent group 4 enhancer GRCh37_chr11:111957035-111958234; plus strand). Cytogenetic location: 11q23.1.
Variant type: single nucleotide variant.
Coding change: c.-3G>A on transcript NM_003002.4 (MANE Select); 3 bases upstream of the start codon, G replaced by A.
Molecular consequence: 5 prime UTR variant. On other transcripts: non-coding transcript variant (1).
Genome position (GRCh38, 1-based): chr11:112,086,905, G>A. VCF-style: chr11-112086905-G-A. GRCh37 (hg19) VCF-style: chr11-111957629-G-A.
Other names: c.-3G>A (NM_001276503.2, NM_001276504.2, NM_001276506.2).
Identifiers: ClinVar variation 4864291 (VCV004864291.1).